The following is an entry in ClinVar:

ClinVar aggregate classification (germline): Pathogenic (0 of 4 stars; one submission).

Allele frequency attached by ClinVar (database versions not stated): TOPMed below 0.00001.

Submission:

GenMed Metabolism Lab
Classification: Pathogenic. Review status: no assertion criteria provided. Collection method: not provided. Allele origin: unknown.
Comment: p.Ile159Thr, Late
ClinVar note: Converted during submission from pathogenic to Pathogenic.

NM_000531.6(OTC):c.476T>C (p.Ile159Thr)

Gene: OTC (ornithine transcarbamylase; plus strand). Cytogenetic location: Xp11.4.
Variant type: single nucleotide variant.
Coding change: c.476T>C on transcript NM_000531.6 (MANE Select); coding-DNA position 476, T replaced by C.
Protein change: p.Ile159Thr; replaces isoleucine 159 with threonine.
Molecular consequence: missense variant.
Genome position (GRCh38, 1-based): chrX:38,401,364, T>C. VCF-style: chrX-38401364-T-C. GRCh37 (hg19) VCF-style: chrX-38260617-T-C.
Other names: short protein forms I159T.
Identifiers: ClinVar variation 97211 (VCV000097211.2), dbSNP rs72556269, ClinGen allele CA224627.